The following is an entry in ClinVar:

NM_198578.4(LRRK2):c.6313C>T (p.Pro2105Ser)

Gene: LRRK2 (leucine rich repeat kinase 2; plus strand). Cytogenetic location: 12q12.
Variant type: single nucleotide variant.
Coding change: c.6313C>T on transcript NM_198578.4 (MANE Select); coding-DNA position 6313, C replaced by T.
Protein change: p.Pro2105Ser; replaces proline 2105 with serine.
Molecular consequence: missense variant.
Genome position (GRCh38, 1-based): chr12:40,348,441, C>T. VCF-style: chr12-40348441-C-T. GRCh37 (hg19) VCF-style: chr12-40742243-C-T.
Other names: short protein forms P2105S.
Identifiers: ClinVar variation 1752806 (VCV001752806.2), dbSNP rs1946260171, ClinGen allele CA384406054.

ClinVar aggregate classification (germline): Uncertain significance (1 of 4 stars; one submission).

Conditions:
Inborn genetic diseases. Identifiers: MedGen C0950123, MeSH D030342.

Allele frequency attached by ClinVar (database versions not stated): gnomAD exomes below 0.00001; TOPMed below 0.00001.
gnomAD v4.1: 3 of 1,612,202 alleles (0.00019%); highest among the groups gnomAD compares: Non-Finnish European, 0.00017%; no homozygotes.

Submission:

Ambry Genetics
Classification: Uncertain significance for Inborn genetic diseases. Last evaluated: 2021-10-26. Review status: criteria provided, single submitter. Criteria: Ambry Variant Classification Scheme 2023. Collection method: clinical testing. Allele origin: germline.
Comment: The p.P2105S variant (also known as c.6313C>T), located in coding exon 43 of the LRRK2 gene, results from a C to T substitution at nucleotide position 6313. The proline at codon 2105 is replaced by serine, an amino acid with similar properties. This amino acid position is conserved. In addition, the in silico prediction for this alteration is inconclusive. Since supporting evidence is limited at this time, the clinical significance of this alteration remains unclear.